The following is an entry in ClinVar:

NM_001080477.4(TENM3):c.6595C>A (p.Gln2199Lys)

Gene: TENM3 (teneurin transmembrane protein 3; plus strand). Cytogenetic location: 4q35.1.
Variant type: single nucleotide variant.
Coding change: c.6595C>A on transcript NM_001080477.4 (MANE Select); coding-DNA position 6595, C replaced by A.
Protein change: p.Gln2199Lys; replaces glutamine 2199 with lysine.
Molecular consequence: missense variant.
Genome position (GRCh38, 1-based): chr4:182,793,267, C>A. VCF-style: chr4-182793267-C-A. GRCh37 (hg19) VCF-style: chr4-183714420-C-A.
Other names: c.5827C>A, p.Gln1943Lys (NM_001415960.1); c.5800C>A, p.Gln1934Lys (NM_001415961.1); c.5797C>A, p.Gln1933Lys (NM_001415962.1); c.5779C>A, p.Gln1927Lys (NM_001415963.1); c.5776C>A, p.Gln1926Lys (NM_001415964.1); c.6313C>A, p.Gln2105Lys (NM_001415966.1); c.6337C>A, p.Gln2113Lys (NM_001415967.1); c.6613C>A, p.Gln2205Lys (NM_001415968.1); and 4 more; short protein forms Q1926K, Q1927K, Q1933K, Q1934K, Q1943K, Q2105K, Q2106K, Q2113K.
Identifiers: ClinVar variation 4074444 (VCV004074444.1).
Genomic context (GRCh38, chr4:182,793,267, plus strand): 5'-GACAGAATCACTCGACTGGGTGATGTTCAATATCGGTTGGATGAAGATGGTTTCCTACGT[C>A]AAAGGGGCACGGAAATCTTTGAATATAGCTCCAAGGGGCTTCTAACTCGAGTTTACAGTA-3'
Protein context (NP_001073946.1, residues 2189-2209): YRLDEDGFLR[Gln2199Lys]RGTEIFEYSS

ClinVar aggregate classification (germline): Uncertain significance (1 of 4 stars; one submission).

Submission:

GeneDx
Classification: Uncertain significance. Last evaluated: 2025-02-04. Review status: criteria provided, single submitter. Criteria: GeneDx Variant Classification Process June 2021. Collection method: clinical testing. Allele origin: germline. Affected: yes.
Comment: Not observed at significant frequency in large population cohorts (gnomAD); In silico analysis supports that this missense variant has a deleterious effect on protein structure/function; Has not been previously published as pathogenic or benign to our knowledge